The following is an entry in ClinVar:

ClinVar aggregate classification (germline): Uncertain significance (1 of 4 stars; one submission).

Conditions:
GSN-related disorder. Also called: GSN-related condition.

Submission:

PreventionGenetics, part of Exact Sciences
Classification: Uncertain significance for GSN-related condition. Last evaluated: 2025-09-10. Review status: criteria provided, single submitter. Criteria: ACMG Guidelines, 2015. Collection method: clinical testing. Allele origin: germline.
Comment: The GSN c.22_23delAG variant is predicted to result in a frameshift and premature protein termination (p.Arg8Glyfs*4). Of note, this variant can also be referred to as c.-13697_-13696delAG (pre-coding) with the more commonly reported isoform, NM_000177. To our knowledge, this variant has not been reported in the literature or in a large population database (gnomAD), indicating this variant is rare. Loss of function is not an established mechanism of GSN-related disease. At this time, the clinical significance of this variant is uncertain due to the absence of conclusive functional and genetic evidence.

NM_198252.3(GSN):c.-10+4603_-10+4604del

Genes: GSN (gelsolin; plus strand), LOC126860753 (MED14-independent group 3 enhancer GRCh37_chr9:124048350-124049549; plus strand). Cytogenetic location: 9q33.2.
Variant type: Deletion.
Coding change: c.-10+4603_-10+4604del on transcript NM_198252.3 (MANE Select); bases 4603 to 4604 of the intron after 10 bases upstream of the start codon, 2 bases deleted (AG; older notation c.-10+4603_-10+4604delAG).
Molecular consequence: intron variant. On other transcripts: frameshift variant (1), 5 prime UTR variant (1).
Genome position (GRCh38, 1-based): chr9:121,286,165-121,286,166, AG deleted. VCF-style (leftmost placement, unchanged base first): chr9-121286164-CAG-C. GRCh37 (hg19) VCF-style: chr9-124048442-CAG-C.
Other names: c.22_23del, p.Arg8fs (NM_001258029.2); c.-68_-67del (NM_001353069.2); c.-10+4603_-10+4604del (NM_001353054.1, NM_001353053.1, NM_001353060.2 and 2 more transcripts); c.-48+4603_-48+4604del (NM_001353064.2, NM_001353066.2, NM_001353076.2 and 1 more transcripts); c.-2+4603_-2+4604del (NM_001353058.2, NM_001353057.2); c.-39+3615_-39+3616del (NM_001353073.2, NM_001353068.2); c.-39+4212_-39+4213del (NM_001353065.2); c.-10+4212_-10+4213del (NM_001127664.2); and 13 more; short protein forms R8fs.
Identifiers: ClinVar variation 4988068 (VCV004988068.1).